The following is an entry in ClinVar:

NM_000059.4(BRCA2):c.5052T>A (p.Thr1684=)

Gene: BRCA2 (BRCA2 DNA repair associated; plus strand). Cytogenetic location: 13q13.1.
Variant type: single nucleotide variant.
Coding change: c.5052T>A on transcript NM_000059.4 (MANE Select); coding-DNA position 5052, T replaced by A.
Protein change: p.Thr1684=; no amino-acid change (threonine 1684 retained).
Molecular consequence: synonymous variant. On other transcripts: non-coding transcript variant (1), intron variant (2).
Genome position (GRCh38, 1-based): chr13:32,339,407, T>A. VCF-style: chr13-32339407-T-A. GRCh37 (hg19) VCF-style: chr13-32913544-T-A.
Other names: c.5052T>A, p.Thr1684= (NM_001406719.1, NM_001406720.1, NM_001432077.1); c.1910-5151T>A (NM_001406721.1); c.425-5151T>A (NM_001406722.1).
Identifiers: ClinVar variation 3572358 (VCV003572358.1).
Genomic context (GRCh38, chr13:32,339,407, plus strand): 5'-TGAAAATTCAGCCTTAGCTTTTTACACAAGTTGTAGTAGAAAAACTTCTGTGAGTCAGAC[T>A]TCATTACTTGAAGCAAAAAAATGGCTTAGAGAAGGAATATTTGATGGTCAACCAGAAAGA-3'
Protein context (NP_000050.3, residues 1674-1694): SCSRKTSVSQ[Thr1684=]SLLEAKKWLR

ClinVar aggregate classification (germline): Uncertain significance (1 of 4 stars; one submission).

Submission:

Quest Diagnostics Nichols Institute San Juan Capistrano
Classification: Uncertain significance. Last evaluated: 2024-02-13. Review status: criteria provided, single submitter. Criteria: Quest Diagnostics criteria. Collection method: clinical testing. Allele origin: unknown.
Comment: The BRCA2 c.5052T>A (p.Thr1684=) synonymous variant has not been reported in individuals with BRCA2-related conditions in the published literature. It also has not been reported in large, multi-ethnic general populations (Genome Aggregation Database). Analysis of this variant using software algorithms for the prediction of the effect of nucleotide changes on splicing yielded predictions that this variant does not affect BRCA2 mRNA splicing. Based on the available information, we are unable to determine the clinical significance of this variant.